The following is an entry in ClinVar:

ClinVar aggregate classification (germline): Conflicting classifications of pathogenicity. Review status: criteria provided, conflicting classifications (1 of 4 stars). 3 submissions from 3 submitters: Uncertain significance (1); Benign (1); Likely benign (1). Last evaluated 2025-08-25.

Conditions:
Hereditary nonpolyposis colorectal neoplasms. Identifiers: MedGen C0009405, MeSH D003123.
Hereditary cancer-predisposing syndrome. Also called: Hereditary Cancer Syndrome; Hereditary neoplastic syndrome; Neoplastic Syndromes, Hereditary; Tumor predisposition. Identifiers: Orphanet 140162, MedGen C0027672, MeSH D009386, MONDO:0015356.
Lynch syndrome 4 (LYNCH4). Also called: Colorectal cancer, hereditary nonpolyposis, type 4; Hereditary non-polyposis colorectal cancer, type 4. Identifiers: Orphanet 144, MedGen C1838333, MONDO:0013699, OMIM 614337. Disease mechanism: loss of function.

Allele frequency attached by ClinVar (database versions not stated): gnomAD 0.00001.

Submissions (3):

Ambry Genetics
Classification: Uncertain significance for Hereditary cancer-predisposing syndrome. Last evaluated: 2025-08-25. Review status: criteria provided, single submitter. Criteria: Ambry Variant Classification Scheme 2023. Collection method: clinical testing. Allele origin: germline.
Comment: The c.327A>G variant (also known as p.E109E), located in coding exon 4 of the PMS2 gene, results from an A to G substitution at nucleotide position 327. This nucleotide substitution does not change the glutamic acid at codon 109. This nucleotide position is not well conserved in available vertebrate species. In silico splice site analysis for this alteration is inconclusive; however, direct evidence is insufficient at this time (Ambry internal data). Based on the available evidence, the clinical significance of this alteration remains unclear.

Myriad Genetics, Inc.
Classification: Benign for Lynch syndrome 4. Last evaluated: 2025-01-24. Review status: criteria provided, single submitter. Criteria: Myriad Autosomal Dominant, Autosomal Recessive and X-Linked Classification Criteria (2023). Collection method: clinical testing. Allele origin: unknown.
Comment: This variant is considered benign. This variant is a silent/synonymous amino acid change and it is not expected to impact splicing.

Labcorp Genetics (formerly Invitae), Labcorp
Classification: Likely benign for Hereditary nonpolyposis colorectal neoplasms. Last evaluated: 2018-09-18. Review status: criteria provided, single submitter. Criteria: Invitae Variant Classification Sherloc (09022015). Collection method: clinical testing. Allele origin: germline.

NM_000535.7(PMS2):c.327A>G (p.Glu109=)

Gene: PMS2 (PMS1 homolog 2, mismatch repair system component; minus strand). Cytogenetic location: 7p22.1.
Variant type: single nucleotide variant.
Coding change: c.327A>G on transcript NM_000535.7 (MANE Select); coding-DNA position 327, A replaced by G.
Protein change: p.Glu109=; no amino-acid change (glutamic acid 109 retained).
Molecular consequence: synonymous variant. On other transcripts: 5 prime UTR variant (9), non-coding transcript variant (1), intron variant (2).
Genome position (GRCh38, 1-based): chr7:6,003,716, T>C on the plus strand (A>G on the coding strand, the complement: PMS2 is on the minus strand). VCF-style: chr7-6003716-T-C. GRCh37 (hg19) VCF-style: chr7-6043347-T-C.
Other names: c.327A>G, p.Glu109= (NM_001322006.2, NM_001322014.2); c.-79A>G (NM_001322009.2, NM_001322010.2, NM_001322013.2 and 3 more transcripts); c.-558A>G (NM_001322011.2, NM_001322012.2); c.-158A>G (NM_001322015.2); c.35+256A>G (NM_001322008.2, NM_001322007.2).
Identifiers: ClinVar variation 455710 (VCV000455710.13), dbSNP rs1554304637, ClinGen allele CA453647905.